The following is an entry in ClinVar:

ClinVar aggregate classification (germline): Uncertain significance (1 of 4 stars; one submission).

Submission:

Ambry Genetics
Classification: Uncertain significance. Last evaluated: 2025-06-10. Review status: criteria provided, single submitter. Criteria: Ambry Variant Classification Scheme 2023. Collection method: clinical testing. Allele origin: germline.
Comment: The p.S47R variant (also known as c.141C>G), located in coding exon 1 of the MC1R gene, results from a C to G substitution at nucleotide position 141. The serine at codon 47 is replaced by arginine, an amino acid with dissimilar properties. This amino acid position is conserved. In addition, this alteration is predicted to be tolerated by in silico analysis. Based on the available evidence, the clinical significance of this variant remains unclear.

NM_002386.4(MC1R):c.141C>G (p.Ser47Arg)

Gene: MC1R (melanocortin 1 receptor; plus strand). Cytogenetic location: 16q24.3.
Variant type: single nucleotide variant.
Coding change: c.141C>G on transcript NM_002386.4 (MANE Select); coding-DNA position 141, C replaced by G.
Protein change: p.Ser47Arg; replaces serine 47 with arginine.
Molecular consequence: missense variant.
Genome position (GRCh38, 1-based): chr16:89,919,399, C>G. VCF-style: chr16-89919399-C-G. GRCh37 (hg19) VCF-style: chr16-89985807-C-G.
Other names: short protein forms S47R.
Identifiers: ClinVar variation 4052440 (VCV004052440.1).